The following is an entry in ClinVar:

ClinVar aggregate classification (germline): Likely benign (1 of 4 stars; one submission).

Allele frequency attached by ClinVar (database versions not stated): 1000 Genomes Project 30x 0.00156; 1000 Genomes Project 0.00160; TOPMed 0.00333; gnomAD 0.00370; ExAC 0.00375; gnomAD exomes 0.00393; ESP Exome Variant Server 0.00400.
gnomAD v4.1: 6,368 of 1,607,834 alleles (0.4%); highest among the groups gnomAD compares: Middle Eastern, 1.6%; 43 homozygotes.

Submission:

CeGaT Center for Human Genetics Tuebingen
Classification: Likely benign. Last evaluated: 2023-03-01. Review status: criteria provided, single submitter. Criteria: CeGaT Center For Human Genetics Tuebingen Variant Classification Criteria Version 2. Collection method: clinical testing. Allele origin: germline. Affected: yes. Observed: 2 variant alleles.
Comment: HOXC4: BP4, BS2

NM_153633.3(HOXC4):c.369C>T (p.Asp123=)

Gene: HOXC4 (homeobox C4; plus strand). Cytogenetic location: 12q13.13.
Variant type: single nucleotide variant.
Coding change: c.369C>T on transcript NM_153633.3 (MANE Select); coding-DNA position 369, C replaced by T.
Protein change: p.Asp123=; no amino-acid change (aspartic acid 123 retained).
Molecular consequence: synonymous variant.
Genome position (GRCh38, 1-based): chr12:54,054,291, C>T. VCF-style: chr12-54054291-C-T. GRCh37 (hg19) VCF-style: chr12-54448075-C-T.
Other names: c.369C>T, p.Asp123= (NM_014620.6).
Identifiers: ClinVar variation 2643052 (VCV002643052.24), dbSNP rs138201582, ClinGen allele CA6605508.